The following is an entry in ClinVar:

NM_007118.4(TRIO):c.7051G>A (p.Val2351Met)

Gene: TRIO (trio Rho guanine nucleotide exchange factor; plus strand). Cytogenetic location: 5p15.2.
Variant type: single nucleotide variant.
Coding change: c.7051G>A on transcript NM_007118.4 (MANE Select); coding-DNA position 7051, G replaced by A.
Protein change: p.Val2351Met; replaces valine 2351 with methionine.
Molecular consequence: missense variant. On other transcripts: non-coding transcript variant (1).
Genome position (GRCh38, 1-based): chr5:14,487,679, G>A. VCF-style: chr5-14487679-G-A. GRCh37 (hg19) VCF-style: chr5-14487788-G-A.
Other names: short protein forms V2351M.
Identifiers: ClinVar variation 2392038 (VCV002392038.26), dbSNP rs199638306, ClinGen allele CA3207322.
Genomic context (GRCh38, chr5:14,487,679, plus strand): 5'-CCCAGCACGAGCAGGAGCCGGCCCTCCCGGATCCCCCAGCCTGTCCGACACCACCCCCCC[G>A]TGCTGGTCTCCTCTGCAGCCTCGAGCCAGGCAGAGGCAGACAAGATGTCAGGTACGTCCA-3'
Protein context (NP_009049.2, residues 2341-2361): IPQPVRHHPP[Val2351Met]LVSSAASSQA

ClinVar aggregate classification (germline): Likely benign. Review status: criteria provided, multiple submitters, no conflicts (2 of 4 stars). 2 submissions from 2 submitters: Likely benign (2). Last evaluated 2026-03-01.

Conditions:
Inborn genetic diseases. Identifiers: MedGen C0950123, MeSH D030342.

Allele frequency attached by ClinVar (database versions not stated): gnomAD 0.00003; ESP Exome Variant Server 0.00008; ExAC 0.00011.
gnomAD v4.1: 45 of 1,408,752 alleles (0.0032%); highest among the groups gnomAD compares: Non-Finnish European, 0.004%; no homozygotes.

Submissions (2):

CeGaT Center for Human Genetics Tuebingen
Classification: Likely benign. Last evaluated: 2026-03-01. Review status: criteria provided, single submitter. Criteria: CeGaT Center For Human Genetics Tuebingen Variant Classification Criteria Version 2. Collection method: clinical testing. Allele origin: germline. Affected: yes. Observed: 2 variant alleles.
Comment: TRIO: BS2

Ambry Genetics
Classification: Likely benign for Inborn genetic diseases. Last evaluated: 2022-06-21. Review status: criteria provided, single submitter. Criteria: Ambry Variant Classification Scheme 2023. Collection method: clinical testing. Allele origin: germline.